The following is an entry in ClinVar:

NM_032043.3(BRIP1):c.919-8G>A

Gene: BRIP1 (BRCA1 interacting DNA helicase 1; minus strand). Cytogenetic location: 17q23.2.
Variant type: single nucleotide variant.
Coding change: c.919-8G>A on transcript NM_032043.3 (MANE Select); 8 bases into the intron before coding-DNA position 919, G replaced by A.
Molecular consequence: intron variant.
Genome position (GRCh38, 1-based): chr17:61,801,482, C>T on the plus strand (G>A on the coding strand, the complement: BRIP1 is on the minus strand). VCF-style: chr17-61801482-C-T. GRCh37 (hg19) VCF-style: chr17-59878843-C-T.
Identifiers: ClinVar variation 414682 (VCV000414682.13), dbSNP rs777079928, ClinGen allele CA16615857.

ClinVar aggregate classification (germline): Likely benign. Review status: criteria provided, multiple submitters, no conflicts (2 of 4 stars). 2 submissions from 2 submitters: Likely benign (2). Last evaluated 2024-08-22.

Conditions:
Fanconi anemia complementation group J. Also called: BRIP1-Related Fanconi Anemia. Identifiers: Orphanet 84, MedGen C1836860, MONDO:0012187, OMIM 609054.
Familial cancer of breast. Also called: Hereditary breast cancer; BREAST CANCER, FAMILIAL; hereditary breast carcinoma. Identifiers: Orphanet 227535, MedGen C0346153, MONDO:0016419, OMIM 114480. Disease mechanism: loss of function.

Submissions (2):

Myriad Genetics, Inc.
Classification: Likely benign for Familial cancer of breast. Last evaluated: 2024-08-22. Review status: criteria provided, single submitter. Criteria: Myriad Autosomal Dominant, Autosomal Recessive and X-Linked Classification Criteria (2023). Collection method: clinical testing. Allele origin: unknown.
Comment: This variant is considered likely benign. This variant is intronic and is not expected to impact mRNA splicing.

Labcorp Genetics (formerly Invitae), Labcorp
Classification: Likely benign for Familial cancer of breast; Fanconi anemia complementation group J. Last evaluated: 2016-05-18. Review status: criteria provided, single submitter. Criteria: Invitae Variant Classification Sherloc (09022015). Collection method: clinical testing. Allele origin: germline.